The following is an entry in ClinVar:

ClinVar aggregate classification (germline): Uncertain significance. Review status: criteria provided, multiple submitters, no conflicts (2 of 4 stars). 2 submissions from 2 submitters: Uncertain significance (2). Last evaluated 2024-03-08.

Conditions:
Familial thoracic aortic aneurysm and aortic dissection (TAAD). Also called: Thoracic aortic aneurysms and dissections. Identifiers: Orphanet 91387, MedGen C4707243, MONDO:0019625.
Aortic aneurysm, familial thoracic 4 (AAT4). Also called: AORTIC ANEURYSM/AORTIC DISSECTION AND PATENT DUCTUS ARTERIOSUS. Identifiers: MedGen C1851504, MONDO:0007568, OMIM 132900.

gnomAD v4.1: 2 of 1,613,912 alleles (0.00012%); highest among the groups gnomAD compares: Middle Eastern, 0.016%; no homozygotes.

Submissions (2):

Labcorp Genetics (formerly Invitae), Labcorp
Classification: Uncertain significance for Aortic aneurysm, familial thoracic 4. Last evaluated: 2024-03-08. Review status: criteria provided, single submitter. Criteria: Invitae Variant Classification Sherloc (09022015). Collection method: clinical testing. Allele origin: germline.
Comment: This sequence change replaces isoleucine, which is neutral and non-polar, with methionine, which is neutral and non-polar, at codon 1078 of the MYH11 protein (p.Ile1078Met). This variant is not present in population databases (gnomAD no frequency). This missense change has been observed in individuals with thoracic aortic aneurysm and/or dissection (PMID: 30526509; Invitae). Advanced modeling of protein sequence and biophysical properties (such as structural, functional, and spatial information, amino acid conservation, physicochemical variation, residue mobility, and thermodynamic stability) performed at Invitae indicates that this missense variant is not expected to disrupt MYH11 protein function with a negative predictive value of 95%. In summary, the available evidence is currently insufficient to determine the role of this variant in disease. Therefore, it has been classified as a Variant of Uncertain Significance.

All of Us Research Program, National Institutes of Health
Classification: Uncertain significance for Familial thoracic aortic aneurysm and aortic dissection. Last evaluated: 2024-03-05. Review status: criteria provided, single submitter. Criteria: ACMG Guidelines, 2015. Collection method: clinical testing. Allele origin: germline. Inheritance: Autosomal dominant inheritance. Observed: 1 variant allele, 1 heterozygote.
Comment: This study involves interpretation of variants in research participants for the purpose of population health screening. Participant phenotype was not available at the time of variant classification. Additional details can be found in publication PMID: 35346344, PMCID: PMC8962531

Literature cited by the submitters: PubMed 30526509 (cited by Labcorp Genetics (formerly Invitae), Labcorp).

NM_002474.3(MYH11):c.3213C>G (p.Ile1071Met)

Gene: MYH11 (myosin heavy chain 11; minus strand). Cytogenetic location: 16p13.11.
Variant type: single nucleotide variant.
Coding change: c.3213C>G on transcript NM_002474.3 (MANE Select); coding-DNA position 3213, C replaced by G.
Protein change: p.Ile1071Met; replaces isoleucine 1071 with methionine.
Molecular consequence: missense variant.
Genome position (GRCh38, 1-based): chr16:15,737,529, G>C on the plus strand (C>G on the coding strand, the complement: MYH11 is on the minus strand). VCF-style: chr16-15737529-G-C. GRCh37 (hg19) VCF-style: chr16-15831386-G-C.
Other names: c.3234C>G, p.Ile1078Met (NM_001040113.2, NM_001040114.2); c.3213C>G, p.Ile1071Met (NM_022844.3); short protein forms I1071M, I1078M.
Identifiers: ClinVar variation 3387200 (VCV003387200.3).